The following is an entry in ClinVar:

ClinVar aggregate classification (germline): Uncertain significance. Review status: criteria provided, single submitter (1 of 4 stars). 2 submissions from 2 submitters: Uncertain significance (1). 1 of the submissions does not count toward it. Last evaluated 2023-10-14.

Conditions:
SHORT syndrome. Also called: SHORT STATURE, HYPEREXTENSIBILITY, HERNIA, OCULAR DEPRESSION, RIEGER ANOMALY, AND TEETHING DELAY; LIPODYSTROPHY, PARTIAL, WITH RIEGER ANOMALY AND SHORT STATURE; PIK3R1-Related SHORT Syndrome. Identifiers: Orphanet 3163, MedGen C0878684, MONDO:0010026, OMIM 269880.
Agammaglobulinemia 7, autosomal recessive (AGM7). Also called: AGAMMAGLOBULINEMIA, AUTOSOMAL RECESSIVE, DUE TO PIK3R1 DEFECT. Identifiers: MedGen C3554689, MONDO:0014083, OMIM 615214.
Immunodeficiency 36 with lymphoproliferation. Also called: Immunodeficiency 36; Activated PI3K Delta Syndrome Type 2 (APDS2); ACTIVATED PI3K-DELTA SYNDROME 2. Identifiers: Orphanet 397596, Orphanet 693681, MedGen C4014934, MONDO:0014453, OMIM 616005.
Activated PI3K-delta syndrome. Identifiers: Orphanet 397596, MedGen C3714976, MONDO:0018338.

Allele frequency attached by ClinVar (database versions not stated): TOPMed 0.00002; gnomAD exomes 0.00001; ExAC 0.00002; gnomAD 0.00002.
gnomAD v4.1: 17 of 1,613,378 alleles (0.0011%); highest among the groups gnomAD compares: African/African-American, 0.0013%; no homozygotes.

Submissions (2):

Labcorp Genetics (formerly Invitae), Labcorp
Classification: Uncertain significance for SHORT syndrome; Immunodeficiency 36 with lymphoproliferation; Agammaglobulinemia 7, autosomal recessive. Last evaluated: 2023-10-14. Review status: criteria provided, single submitter. Criteria: Invitae Variant Classification Sherloc (09022015). Collection method: clinical testing. Allele origin: germline.
Comment: This sequence change replaces arginine, which is basic and polar, with lysine, which is basic and polar, at codon 723 of the PIK3R1 protein (p.Arg723Lys). The frequency data for this variant in the population databases is considered unreliable, as metrics indicate poor data quality at this position in the gnomAD database. This variant has not been reported in the literature in individuals affected with PIK3R1-related conditions. ClinVar contains an entry for this variant (Variation ID: 847379). An algorithm developed to predict the effect of missense changes on protein structure and function (PolyPhen-2) suggests that this variant is likely to be tolerated. In summary, the available evidence is currently insufficient to determine the role of this variant in disease. Therefore, it has been classified as a Variant of Uncertain Significance.

Rarefied Biosciences Lab
Classification: Likely benign for Activated PI3K-delta syndrome. Review status: no assertion criteria provided. Collection method: research. Allele origin: de novo, not applicable. Affected: yes. Not counted in ClinVar's aggregate classification.
Comment: The following variant p.Arg723Lys is likely benign due to experimental evidence showing no abnormal function of TFH, mTOR, and transitional B cells which are hallmarks of affected patients(PMID 31031754)

Literature cited by the submitters: PubMed 31031754 (cited by Rarefied Biosciences Lab).

NM_181523.3(PIK3R1):c.2168G>A (p.Arg723Lys)

Gene: PIK3R1 (phosphoinositide-3-kinase regulatory subunit 1; plus strand). Cytogenetic location: 5q13.1.
Variant type: single nucleotide variant.
Coding change: c.2168G>A on transcript NM_181523.3 (MANE Select); coding-DNA position 2168, G replaced by A.
Protein change: p.Arg723Lys; replaces arginine 723 with lysine.
Molecular consequence: missense variant.
Genome position (GRCh38, 1-based): chr5:68,297,594, G>A. VCF-style: chr5-68297594-G-A. GRCh37 (hg19) VCF-style: chr5-67593422-G-A.
Other names: c.1079G>A, p.Arg360Lys (NM_001242466.2); c.1358G>A, p.Arg453Lys (NM_181504.4); c.1268G>A, p.Arg423Lys (NM_181524.2); short protein forms R453K, R423K, R360K, R723K.
Identifiers: ClinVar variation 847379 (VCV000847379.11), dbSNP rs762818071, ClinGen allele CA3290559.